The following is an entry in ClinVar:

NM_000481.4(AMT):c.91-2A>G

Gene: AMT (aminomethyltransferase; minus strand). Cytogenetic location: 3p21.31.
Variant type: single nucleotide variant.
Coding change: c.91-2A>G on transcript NM_000481.4 (MANE Select); the canonical splice acceptor site of the intron before coding-DNA position 91, A replaced by G.
Molecular consequence: splice acceptor variant. On other transcripts: intron variant (1).
Genome position (GRCh38, 1-based): chr3:49,422,273, T>C on the plus strand (A>G on the coding strand, the complement: AMT is on the minus strand). VCF-style: chr3-49422273-T-C. GRCh37 (hg19) VCF-style: chr3-49459706-T-C.
Other names: c.90+88A>G (NM_001164711.2); c.91-2A>G (NM_001164710.2, NM_001164712.2).
Identifiers: ClinVar variation 1993728 (VCV001993728.6), dbSNP rs2471161355, ClinGen allele CA352791361.

ClinVar aggregate classification (germline): Likely pathogenic. Review status: criteria provided, multiple submitters, no conflicts (2 of 4 stars). 2 submissions from 2 submitters: Likely pathogenic (2). Last evaluated 2026-04-02.

Conditions:
Glycine encephalopathy. Also called: Nonketotic hyperglycinemia; Non-ketotic hyperglycinemia. Identifiers: Orphanet 407, MedGen C0751748, MONDO:0011612, HP:0008288.

Submissions (2):

GeneDx
Classification: Likely pathogenic. Last evaluated: 2026-04-02. Review status: criteria provided, single submitter. Criteria: GeneDx Variant Classification Process June 2021. Collection method: clinical testing. Allele origin: germline.
Comment: Canonical splice site variant predicted to result in an in-frame loss of the adjacent exon in a gene for which loss of function is a known mechanism of disease; Not observed at significant frequency in large population cohorts (gnomAD); Has not been previously published as pathogenic or benign to our knowledge

Labcorp Genetics (formerly Invitae), Labcorp
Classification: Likely pathogenic for Glycine encephalopathy. Last evaluated: 2025-11-03. Review status: criteria provided, single submitter. Criteria: Invitae Variant Classification Sherloc (09022015). Collection method: clinical testing. Allele origin: germline.
Comment: This sequence change affects an acceptor splice site in intron 1 of the AMT gene. It is expected to disrupt RNA splicing. Variants that disrupt the donor or acceptor splice site typically lead to a loss of protein function (PMID: 16199547), and loss-of-function variants in AMT are known to be pathogenic (PMID: 16450403). This variant is not present in population databases (gnomAD no frequency). This variant has not been reported in the literature in individuals affected with AMT-related conditions. ClinVar contains an entry for this variant (Variation ID: 1993728). Algorithms developed to predict the effect of sequence changes on RNA splicing suggest that this variant may disrupt the consensus splice site. In summary, the currently available evidence indicates that the variant is pathogenic, but additional data are needed to prove that conclusively. Therefore, this variant has been classified as Likely Pathogenic.

Literature cited by the submitters: PubMed 16199547 (cited by Labcorp Genetics (formerly Invitae), Labcorp); PubMed 16450403 (cited by Labcorp Genetics (formerly Invitae), Labcorp).